The following is an entry in ClinVar:

ClinVar aggregate classification (germline): Benign. Review status: criteria provided, single submitter (1 of 4 stars). 2 submissions from 2 submitters: Benign (1). 1 of the submissions does not count toward it. Last evaluated 2026-02-01.

Conditions:
NUP160-related disorder. Also called: NUP160-related condition.

Allele frequency attached by ClinVar (database versions not stated): 1000 Genomes Project 30x 0.00016; 1000 Genomes Project 0.00020; TOPMed 0.00202; gnomAD 0.00204; ExAC 0.00220; ESP Exome Variant Server 0.00246; gnomAD exomes 0.00322.
gnomAD v4.1: 4,915 of 1,595,282 alleles (0.31%); highest among the groups gnomAD compares: Non-Finnish European, 0.37%; 19 homozygotes.

Submissions (2):

Labcorp Genetics (formerly Invitae), Labcorp
Classification: Benign. Last evaluated: 2026-02-01. Review status: criteria provided, single submitter. Criteria: Invitae Variant Classification Sherloc (09022015). Collection method: clinical testing. Allele origin: germline.

PreventionGenetics, part of Exact Sciences
Classification: Likely benign for NUP160-related condition. Last evaluated: 2020-02-03. Review status: no assertion criteria provided. Collection method: clinical testing. Allele origin: germline. Not counted in ClinVar's aggregate classification.
Comment: This variant is classified as likely benign based on ACMG/AMP sequence variant interpretation guidelines (Richards et al. 2015 PMID: 25741868, with internal and published modifications).

NM_015231.3(NUP160):c.1850+10A>C

Gene: NUP160 (nucleoporin 160; minus strand). Cytogenetic location: 11p11.2.
Variant type: single nucleotide variant.
Coding change: c.1850+10A>C on transcript NM_015231.3 (MANE Select); 10 bases into the intron after coding-DNA position 1850, A replaced by C.
Molecular consequence: intron variant. On other transcripts: non-coding transcript variant (1).
Genome position (GRCh38, 1-based): chr11:47,812,872, T>G on the plus strand (A>C on the coding strand, the complement: NUP160 is on the minus strand). VCF-style: chr11-47812872-T-G. GRCh37 (hg19) VCF-style: chr11-47834424-T-G.
Other names: c.1952+10A>C (NM_015231.2).
Identifiers: ClinVar variation 2052234 (VCV002052234.6), dbSNP rs200466756, ClinGen allele CA5981176.